The following is an entry in ClinVar:

NC_000019.9:g.(?_7706571)_(7712696_?)del

Gene: STXBP2 (syntaxin binding protein 2; plus strand). Cytogenetic location: 19p13.2.
Variant type: Deletion.
Identifiers: ClinVar variation 1516839 (VCV001516839.9).

ClinVar aggregate classification (germline): Likely pathogenic (1 of 4 stars; one submission).

Conditions:
Familial hemophagocytic lymphohistiocytosis 5. Also called: STXBP2-Related Familial Hemophagocytic Lymphohistiocytosis (STXBP2-fHLH). Identifiers: Orphanet 540, MedGen C2751293, MONDO:0013135, OMIM 613101.

Submission:

Labcorp Genetics (formerly Invitae), Labcorp
Classification: Likely pathogenic for Familial hemophagocytic lymphohistiocytosis 5. Last evaluated: 2020-12-03. Review status: criteria provided, single submitter. Criteria: Invitae Variant Classification Sherloc (09022015). Collection method: clinical testing. Allele origin: germline.
Comment: In summary, the currently available evidence indicates that the variant is pathogenic, but additional data are needed to prove that conclusively. Therefore, this variant has been classified as Likely Pathogenic. This variant disrupts the p.Pro477 amino acid residue in STXBP2. Other variant(s) that disrupt this residue have been determined to be pathogenic (PMID: 19884660, 19804848, 20798128). This suggests that this residue is clinically significant, and that variants that disrupt this residue are likely to be disease-causing. This variant has not been reported in the literature in individuals with STXBP2-related conditions. This variant is a gross deletion of the genomic region encompassing exon(s) 7-19 of the STXBP2 gene. The 5' boundary is likely confined to intron 6. The 3' end of this event is unknown as it extends through the termination codon beyond the assayed region for this gene and may encompass additional genes. While this deletion is not anticipated to lead to nonsense mediated decay, it is expected to alter mRNA translation or result in a truncated protein product.

Literature cited by the submitters: PubMed 19884660; PubMed 19804848; PubMed 20798128.